The following is an entry in ClinVar:

NM_021815.5(SLC5A7):c.1203T>A (p.Thr401=)

Gene: SLC5A7 (solute carrier family 5 member 7; plus strand). Cytogenetic location: 2q12.3.
Variant type: single nucleotide variant.
Coding change: c.1203T>A on transcript NM_021815.5 (MANE Select); coding-DNA position 1203, T replaced by A.
Protein change: p.Thr401=; no amino-acid change (threonine 401 retained).
Molecular consequence: synonymous variant.
Genome position (GRCh38, 1-based): chr2:108,010,321, T>A. VCF-style: chr2-108010321-T-A. GRCh37 (hg19) VCF-style: chr2-108626777-T-A.
Other names: c.1203T>A, p.Thr401= (NM_001305005.3); c.888T>A, p.Thr296= (NM_001305006.3); c.462T>A, p.Thr154= (NM_001305007.3).
Identifiers: ClinVar variation 2201295 (VCV002201295.25), dbSNP rs1331764781, ClinGen allele CA428083048.
Genomic context (GRCh38, chr2:108,010,321, plus strand): 5'-GCGAATCACAGTGTTTGTGTTTGGAGCATCTGCAACAGCCATGGCCTTGCTGACGAAAAC[T>A]GTGTATGGGCTCTGGTACCTCAGTTCTGACCTTGTTTACATCGTTATCTTCCCCCAGCTG-3'
Protein context (NP_068587.1, residues 391-411): SATAMALLTK[Thr401=]VYGLWYLSSD

ClinVar aggregate classification (germline): Likely benign. Review status: criteria provided, multiple submitters, no conflicts (2 of 4 stars). 2 submissions from 2 submitters: Likely benign (2). Last evaluated 2024-03-01.

Conditions:
Congenital myasthenic syndrome 20. Also called: Myasthenic syndrome, congenital, 20, presynaptic. Identifiers: MedGen C4310694, MONDO:0014939, OMIM 617143.
Neuronopathy, distal hereditary motor, type 7A. Also called: Neuronopathy, distal hereditary motor, type viia; HARPER-YOUNG MYOPATHY; HMN VIIA; SPINAL MUSCULAR ATROPHY, DISTAL, WITH VOCAL CORD PARALYSIS; NEURONOPATHY, DISTAL HEREDITARY MOTOR, HARDING TYPE VIIA; NEUROPATHY, DISTAL HEREDITARY MOTOR, HARDING TYPE VIIA. Identifiers: Orphanet 139589, MedGen C1834703, MONDO:0008024, OMIM 158580.

Allele frequency attached by ClinVar (database versions not stated): TOPMed 0.00001.
gnomAD v4.1: 1 of 1,613,964 alleles (0.000062%); highest among the groups gnomAD compares: Non-Finnish European, 0.000085%; no homozygotes.

Submissions (2):

CeGaT Center for Human Genetics Tuebingen
Classification: Likely benign. Last evaluated: 2024-03-01. Review status: criteria provided, single submitter. Criteria: CeGaT Center For Human Genetics Tuebingen Variant Classification Criteria Version 2. Collection method: clinical testing. Allele origin: germline. Affected: yes. Observed: 1 variant allele.
Comment: SLC5A7: PM2:Supporting, BP4, BP7

Labcorp Genetics (formerly Invitae), Labcorp
Classification: Likely benign for Neuronopathy, distal hereditary motor, type 7A; Congenital myasthenic syndrome 20. Last evaluated: 2024-01-02. Review status: criteria provided, single submitter. Criteria: Invitae Variant Classification Sherloc (09022015). Collection method: clinical testing. Allele origin: germline.